The following is an entry in ClinVar:

ClinVar aggregate classification (germline): Uncertain significance (1 of 4 stars; one submission).

Conditions:
Epidermolysis bullosa simplex with nail dystrophy (EBS5D). Identifiers: MedGen C4225309, MONDO:0014661, OMIM 616487.
Epidermolysis bullosa simplex, Ogna type (EBS5A). Also called: Pidermolysis bullosa simplex 5A, Ogna type; EPIDERMOLYSIS BULLOSA SIMPLEX 5A, OGNA TYPE. Identifiers: Orphanet 79401, MedGen C0432317, MONDO:0007555, OMIM 131950.
Autosomal recessive limb-girdle muscular dystrophy type 2Q (LGMDR17). Also called: MUSCULAR DYSTROPHY, LIMB-GIRDLE, AUTOSOMAL RECESSIVE 17. Identifiers: Orphanet 254361, MedGen C3150989, MONDO:0013390, OMIM 613723.
Epidermolysis bullosa simplex 5B, with muscular dystrophy (EBS5B). Also called: EPIDERMOLYSIS BULLOSA SIMPLEX AND LIMB-GIRDLE MUSCULAR DYSTROPHY; Epidermolysis bullosa simplex with muscular dystrophy. Identifiers: Orphanet 257, MedGen C2931072, MONDO:0009181, OMIM 226670.
Epidermolysis bullosa simplex 5C, with pyloric atresia (EBS5C). Also called: PLEC-Related Epidermolysis Bullosa with Pyloric Atresia; Epidermolysis bullosa simplex with pyloric atresia; PLEC1-Related Epidermolysis Bullosa with Pyloric Atresia. Identifiers: Orphanet 158684, MedGen C2677349, MONDO:0012807, OMIM 612138.

gnomAD v4.1: 2 of 1,586,944 alleles (0.00013%); highest among the groups gnomAD compares: Non-Finnish European, 0.000085%; no homozygotes.

Submission:

Labcorp Genetics (formerly Invitae), Labcorp
Classification: Uncertain significance for Autosomal recessive limb-girdle muscular dystrophy type 2Q; Epidermolysis bullosa simplex, Ogna type; Epidermolysis bullosa simplex with nail dystrophy; Epidermolysis bullosa simplex 5C, with pyloric atresia; Epidermolysis bullosa simplex 5B, with muscular dystrophy. Last evaluated: 2024-07-31. Review status: criteria provided, single submitter. Criteria: Invitae Variant Classification Sherloc (09022015). Collection method: clinical testing. Allele origin: germline.
Comment: This sequence change replaces glutamine, which is neutral and polar, with glutamic acid, which is acidic and polar, at codon 1719 of the PLEC protein (p.Gln1719Glu). This variant is not present in population databases (gnomAD no frequency). This variant has not been reported in the literature in individuals affected with PLEC-related conditions. Experimental studies and prediction algorithms are not available or were not evaluated, and the functional significance of this variant is currently unknown. In summary, the available evidence is currently insufficient to determine the role of this variant in disease. Therefore, it has been classified as a Variant of Uncertain Significance.

NM_201384.3(PLEC):c.5074C>G (p.Gln1692Glu)

Gene: PLEC (plectin; minus strand). Cytogenetic location: 8q24.3.
Variant type: single nucleotide variant.
Coding change: c.5074C>G on transcript NM_201384.3 (MANE Select); coding-DNA position 5074, C replaced by G.
Protein change: p.Gln1692Glu; replaces glutamine 1692 with glutamic acid.
Molecular consequence: missense variant. On other transcripts: intron variant (1).
Genome position (GRCh38, 1-based): chr8:143,924,855, G>C on the plus strand (C>G on the coding strand, the complement: PLEC is on the minus strand). VCF-style: chr8-143924855-G-C. GRCh37 (hg19) VCF-style: chr8-144999023-G-C.
Other names: c.4125+1929C>G (NM_001410941.1); c.5155C>G, p.Gln1719Glu (NM_000445.5); c.5032C>G, p.Gln1678Glu (NM_201378.4); c.5008C>G, p.Gln1670Glu (NM_201379.3); c.5485C>G, p.Gln1829Glu (NM_201380.4); c.4978C>G, p.Gln1660Glu (NM_201381.3); c.5074C>G, p.Gln1692Glu (NM_201382.4); c.5086C>G, p.Gln1696Glu (NM_201383.3); short protein forms Q1660E, Q1670E, Q1678E, Q1692E, Q1696E, Q1719E, Q1829E.
Identifiers: ClinVar variation 3751452 (VCV003751452.2).